The following is an entry in ClinVar:

ClinVar aggregate classification (germline): Uncertain significance (1 of 4 stars; one submission).

Allele frequency attached by ClinVar (database versions not stated): gnomAD exomes 0.00001; TOPMed 0.00001.
gnomAD v4.1: 9 of 1,608,710 alleles (0.00056%); highest among the groups gnomAD compares: Non-Finnish European, 0.00076%; no homozygotes.

Submission:

Labcorp Genetics (formerly Invitae), Labcorp
Classification: Uncertain significance. Last evaluated: 2022-01-27. Review status: criteria provided, single submitter. Criteria: Invitae Variant Classification Sherloc (09022015). Collection method: clinical testing. Allele origin: germline.
Comment: This sequence change replaces alanine, which is neutral and non-polar, with threonine, which is neutral and polar, at codon 411 of the TONSL protein (p.Ala411Thr). The frequency data for this variant in the population databases is considered unreliable, as metrics indicate poor data quality at this position in the gnomAD database. This variant has not been reported in the literature in individuals affected with TONSL-related conditions. Algorithms developed to predict the effect of missense changes on protein structure and function are either unavailable or do not agree on the potential impact of this missense change (SIFT: "Tolerated"; PolyPhen-2: "Possibly Damaging"; Align-GVGD: "Class C0"). In summary, the available evidence is currently insufficient to determine the role of this variant in disease. Therefore, it has been classified as a Variant of Uncertain Significance.

NM_013432.5(TONSL):c.1231G>A (p.Ala411Thr)

Gene: TONSL (tonsoku like, DNA repair protein; minus strand). Cytogenetic location: 8q24.3.
Variant type: single nucleotide variant.
Coding change: c.1231G>A on transcript NM_013432.5 (MANE Select); coding-DNA position 1231, G replaced by A.
Protein change: p.Ala411Thr; replaces alanine 411 with threonine.
Molecular consequence: missense variant.
Genome position (GRCh38, 1-based): chr8:144,440,410, C>T on the plus strand (G>A on the coding strand, the complement: TONSL is on the minus strand). VCF-style: chr8-144440410-C-T. GRCh37 (hg19) VCF-style: chr8-145665793-C-T.
Other names: short protein forms A411T.
Identifiers: ClinVar variation 1934030 (VCV001934030.5), dbSNP rs1224663054, ClinGen allele CA372669520.